The following is an entry in ClinVar:

NM_001161403.3(LIMS2):c.238G>A (p.Gly80Ser)

Gene: LIMS2 (LIM zinc finger domain containing 2; minus strand). Cytogenetic location: 2q14.3.
Variant type: single nucleotide variant.
Coding change: c.238G>A on transcript NM_001161403.3 (MANE Select); coding-DNA position 238, G replaced by A.
Protein change: p.Gly80Ser; replaces glycine 80 with serine.
Molecular consequence: missense variant.
Genome position (GRCh38, 1-based): chr2:127,654,830, C>T on the plus strand (G>A on the coding strand, the complement: LIMS2 is on the minus strand). VCF-style: chr2-127654830-C-T. GRCh37 (hg19) VCF-style: chr2-128412404-C-T.
Other names: c.304G>A, p.Gly102Ser (NM_001136037.4); c.223G>A, p.Gly75Ser (NM_001161404.2); c.310G>A, p.Gly104Ser (NM_017980.5); short protein forms G102S, G104S, G75S, G80S.
Identifiers: ClinVar variation 1027050 (VCV001027050.9), dbSNP rs753710553, ClinGen allele CA1863509.

ClinVar aggregate classification (germline): Uncertain significance (1 of 4 stars; one submission).

Conditions:
Autosomal recessive limb-girdle muscular dystrophy type 2W (MDRCMTT). Also called: Muscular dystrophy, autosomal recessive, with cardiomyopathy and triangular tongue; Muscular dystrophy, limb-girdle, type 2W. Identifiers: MedGen C4225192, MONDO:0014788, OMIM 616827.

Allele frequency attached by ClinVar (database versions not stated): gnomAD 0.00001; gnomAD exomes 0.00001 and 0.00002; TOPMed 0.00001; ExAC 0.00002.

Submission:

Labcorp Genetics (formerly Invitae), Labcorp
Classification: Uncertain significance for Autosomal recessive limb-girdle muscular dystrophy type 2W. Last evaluated: 2025-08-01. Review status: criteria provided, single submitter. Criteria: Invitae Variant Classification Sherloc (09022015). Collection method: clinical testing. Allele origin: germline.
Comment: This sequence change replaces glycine, which is neutral and non-polar, with serine, which is neutral and polar, at codon 102 of the LIMS2 protein (p.Gly102Ser). This variant also falls at the last nucleotide of exon 4, which is part of the consensus splice site for this exon. This variant is present in population databases (rs753710553, gnomAD 0.02%). This variant has not been reported in the literature in individuals affected with LIMS2-related conditions. ClinVar contains an entry for this variant (Variation ID: 1027050). An algorithm developed to predict the effect of missense changes on protein structure and function (PolyPhen-2) suggests that this variant is likely to be disruptive. Variants that disrupt the consensus splice site are a relatively common cause of aberrant splicing (PMID: 17576681, 9536098). Algorithms developed to predict the effect of sequence changes on RNA splicing suggest that this variant may disrupt the consensus splice site. In summary, the available evidence is currently insufficient to determine the role of this variant in disease. Therefore, it has been classified as a Variant of Uncertain Significance.

Literature cited by the submitters: PubMed 17576681; PubMed 9536098.